The following is an entry in ClinVar:

ClinVar aggregate classification (germline): Uncertain significance (1 of 4 stars; one submission).

Conditions:
Inborn genetic diseases. Identifiers: MedGen C0950123, MeSH D030342.

gnomAD v4.1: 1 of 1,440,766 alleles (0.000069%); highest among the groups gnomAD compares: Non-Finnish European, 0.000098%; no homozygotes.

Submission:

Ambry Genetics
Classification: Uncertain significance for Inborn genetic diseases. Last evaluated: 2025-11-05. Review status: criteria provided, single submitter. Criteria: Ambry Variant Classification Scheme 2023. Collection method: clinical testing. Allele origin: germline.
Comment: The p.S446C variant (also known as c.1336A>T), located in coding exon 8 of the FANCM gene, results from an A to T substitution at nucleotide position 1336. The serine at codon 446 is replaced by cysteine, an amino acid with dissimilar properties. This amino acid position is conserved. In addition, this alteration is predicted to be tolerated by in silico analysis. Based on the available evidence, the clinical significance of this variant remains unclear.

NM_020937.4(FANCM):c.1336A>T (p.Ser446Cys)

Gene: FANCM (FA complementation group M; plus strand). Cytogenetic location: 14q21.2.
Variant type: single nucleotide variant.
Coding change: c.1336A>T on transcript NM_020937.4 (MANE Select); coding-DNA position 1336, A replaced by T.
Protein change: p.Ser446Cys; replaces serine 446 with cysteine.
Molecular consequence: missense variant.
Genome position (GRCh38, 1-based): chr14:45,155,399, A>T. VCF-style: chr14-45155399-A-T. GRCh37 (hg19) VCF-style: chr14-45624602-A-T.
Other names: c.1258A>T, p.Ser420Cys (NM_001308133.2); c.1336A>T, p.Ser446Cys (NM_001308134.2); short protein forms S446C, S420C.
Identifiers: ClinVar variation 4619562 (VCV004619562.1).